The following is an entry in ClinVar:

ClinVar aggregate classification (germline): Pathogenic (1 of 4 stars; one submission).

Submission:

ISCA site 4
Classification: Pathogenic. Last evaluated: 2011-08-12. Review status: criteria provided, single submitter. Criteria: Kaminsky et al. (Genet Med. 2011). Collection method: clinical testing. Allele origin: unknown. Affected: yes. Observed: 1 variant allele.
Comment: Copy number variation identified through the course of routine clinical cytogenomic testing in postnatal populations. Clinical assertions have been curated as described in Kaminsky et al. 2011.

GRCh38/hg38 22q11.1-11.21(chr22:16916608-21151128)x3

Genes: LRRC74B (leucine rich repeat containing 74B; plus strand), LRRC74BNL (LRRC74B N-terminal like; minus strand), LZTR1 (leucine zipper like post translational regulator 1; plus strand), MED15 (mediator complex subunit 15; plus strand), MICAL3 (microtubule associated monooxygenase, calponin and LIM domain containing 3; minus strand) and 293 more. Cytogenetic location: 22q11.1-11.21.
Variant type: copy number gain.
Change: copy number 3 (three copies instead of two) of chr22:16,916,608-21,151,128 (4.23 Mb, GRCh38 coordinates, 1-based), cytogenetic band 22q11.1-11.21.
Identifiers: ClinVar variation 57029 (VCV000057029.1).